The following is an entry in ClinVar:

ClinVar aggregate classification (germline): Uncertain significance (1 of 4 stars; one submission).

gnomAD v4.1: 4 of 1,570,898 alleles (0.00025%); highest among the groups gnomAD compares: Non-Finnish European, 0.00026%; no homozygotes.

Submission:

CeGaT Center for Human Genetics Tuebingen
Classification: Uncertain significance. Last evaluated: 2025-11-01. Review status: criteria provided, single submitter. Criteria: CeGaT Center For Human Genetics Tuebingen Variant Classification Criteria Version 2. Collection method: clinical testing. Allele origin: germline. Affected: yes. Observed: 1 variant allele.
Comment: F12: PM2:Supporting

NM_000505.4(F12):c.1221G>A (p.Val407=)

Gene: F12 (coagulation factor XII; minus strand). Cytogenetic location: 5q35.3.
Variant type: single nucleotide variant.
Coding change: c.1221G>A on transcript NM_000505.4 (MANE Select); coding-DNA position 1221, G replaced by A.
Protein change: p.Val407=; no amino-acid change (valine 407 retained).
Molecular consequence: synonymous variant.
Genome position (GRCh38, 1-based): chr5:177,403,888, C>T on the plus strand (G>A on the coding strand, the complement: F12 is on the minus strand). VCF-style: chr5-177403888-C-T. GRCh37 (hg19) VCF-style: chr5-176830889-C-T.
Identifiers: ClinVar variation 4280924 (VCV004280924.7).